The following is an entry in ClinVar:

ClinVar aggregate classification (germline): Pathogenic (1 of 4 stars; one submission).

Submission:

Labcorp Genetics (formerly Invitae), Labcorp
Classification: Pathogenic. Last evaluated: 2019-11-20. Review status: criteria provided, single submitter. Criteria: Invitae Variant Classification Sherloc (09022015). Collection method: clinical testing. Allele origin: germline.
Comment: This sequence change creates a premature translational stop signal (p.Glu75_Glu76delinsAsp*) in the PUS1 gene. It is expected to result in an absent or disrupted protein product. This variant is not present in population databases (ExAC no frequency). This variant has not been reported in the literature in individuals with PUS1-related conditions. Loss-of-function variants in PUS1 are known to be pathogenic (PMID: 17056637, 19731322, 25058219, 26556812). For these reasons, this variant has been classified as Pathogenic.

Literature cited by the submitters: PubMed 17056637; PubMed 19731322; PubMed 25058219; PubMed 26556812.

NM_025215.6(PUS1):c.225_226delinsTT (p.Glu75_Glu76delinsAspTer)

Gene: PUS1 (pseudouridine synthase 1; plus strand). Cytogenetic location: 12q24.33.
Variant type: Indel.
Coding change: c.225_226delinsTT on transcript NM_025215.6 (MANE Select); coding-DNA positions 225 to 226, GG replaced by TT.
Protein change: p.Glu75_Glu76delinsAspTer.
Molecular consequence: nonsense.
Genome position (GRCh38, 1-based): chr12:131,930,057-131,930,058, GG replaced by TT. VCF-style: chr12-131930057-GG-TT. GRCh37 (hg19) VCF-style: chr12-132414602-GG-TT.
Other names: c.141_142delinsTT, p.Glu47_Glu48delinsAspTer (NM_001002019.3, NM_001002020.3).
Identifiers: ClinVar variation 844870 (VCV000844870.7), dbSNP rs1890524790, ClinGen allele CA916083341.
Genomic context (GRCh38, chr12:131,930,057, plus strand): 5'-CGACCGCGTCTGGGAGGACGGAGAACATCCGGCGAAGAAGCTCAAGAGCGGTGGCGACGA[GG>TT]AGCGGCGCGAGAAGCCGCCCAAGCGGAAGATCGTGCTGCTCATGGCCTATTCGGGCAAGG-3'